The following is an entry in ClinVar:

ClinVar aggregate classification (germline): Benign. Review status: criteria provided, multiple submitters, no conflicts (2 of 4 stars). 4 submissions from 4 submitters: Benign (3). 1 of the submissions does not count toward it. Last evaluated 2026-01-31.

Conditions:
FRAS1-related disorder. Also called: FRAS1-related condition.

Allele frequency attached by ClinVar (database versions not stated): gnomAD exomes 0.00075 and 0.00182; ExAC 0.00218; gnomAD 0.00783 and 0.00832; TOPMed 0.00871; 1000 Genomes Project 0.00899; ESP Exome Variant Server 0.00967; 1000 Genomes Project 30x 0.00968.
gnomAD v4.1: 2,324 of 1,613,884 alleles (0.14%); highest among the groups gnomAD compares: African/African-American, 2.7%; 26 homozygotes.

Submissions (4):

Labcorp Genetics (formerly Invitae), Labcorp
Classification: Benign. Last evaluated: 2026-01-31. Review status: criteria provided, single submitter. Criteria: Invitae Variant Classification Sherloc (09022015). Collection method: clinical testing. Allele origin: germline.

CeGaT Center for Human Genetics Tuebingen
Classification: Benign. Last evaluated: 2026-01-01. Review status: criteria provided, single submitter. Criteria: CeGaT Center For Human Genetics Tuebingen Variant Classification Criteria Version 2. Collection method: clinical testing. Allele origin: germline. Affected: yes. Observed: 1 variant allele.
Comment: FRAS1: BP4, BS1, BS2

Breakthrough Genomics
Classification: Benign. Review status: criteria provided, single submitter. Criteria: ACMG Guidelines, 2015. Collection method: not provided. Allele origin: germline. Inheritance: Autosomal recessive inheritance. Affected: yes.

PreventionGenetics, part of Exact Sciences
Classification: Benign for FRAS1-related condition. Last evaluated: 2021-02-03. Review status: no assertion criteria provided. Collection method: clinical testing. Allele origin: germline. Not counted in ClinVar's aggregate classification.
Comment: This variant is classified as benign based on ACMG/AMP sequence variant interpretation guidelines (Richards et al. 2015 PMID: 25741868, with internal and published modifications).

NM_025074.7(FRAS1):c.3409G>A (p.Asp1137Asn)

Gene: FRAS1 (Fraser extracellular matrix complex subunit 1; plus strand). Cytogenetic location: 4q21.21.
Variant type: single nucleotide variant.
Coding change: c.3409G>A on transcript NM_025074.7 (MANE Select); coding-DNA position 3409, G replaced by A.
Protein change: p.Asp1137Asn; replaces aspartic acid 1137 with asparagine.
Molecular consequence: missense variant.
Genome position (GRCh38, 1-based): chr4:78,379,842, G>A. VCF-style: chr4-78379842-G-A. GRCh37 (hg19) VCF-style: chr4-79300996-G-A.
Other names: c.3409G>A, p.Asp1137Asn (NM_001166133.2); short protein forms D1137N.
Identifiers: ClinVar variation 702725 (VCV000702725.16), dbSNP rs73828000, ClinGen allele CA2976914.
Genomic context (GRCh38, chr4:78,379,842, plus strand): 5'-TCAATAAAGCCACTGGATTTTTCCCTCCTGAATGTCCAAGACCAGGAGGGTAGGGTCGAA[G>A]ATCTCCTATTTCATGTTGTGAGCACTCCCACCAATGGTCAGCTAGTGCTCTCAAGAAATG-3'
Protein context (NP_079350.5, residues 1127-1147): NVQDQEGRVE[Asp1137Asn]LLFHVVSTPT